The following is an entry in ClinVar:

NM_022095.4(ZNF335):c.2267C>T (p.Ala756Val)

Gene: ZNF335 (zinc finger protein 335; minus strand). Cytogenetic location: 20q13.12.
Variant type: single nucleotide variant.
Coding change: c.2267C>T on transcript NM_022095.4 (MANE Select); coding-DNA position 2267, C replaced by T.
Protein change: p.Ala756Val; replaces alanine 756 with valine.
Molecular consequence: missense variant.
Genome position (GRCh38, 1-based): chr20:45,957,915, G>A on the plus strand (C>T on the coding strand, the complement: ZNF335 is on the minus strand). VCF-style: chr20-45957915-G-A. GRCh37 (hg19) VCF-style: chr20-44586554-G-A.
Other names: c.2267C>T (NM_022095.3); short protein forms A756V.
Identifiers: ClinVar variation 2052616 (VCV002052616.5), dbSNP rs1400570593, ClinGen allele CA409242730.

ClinVar aggregate classification (germline): Uncertain significance. Review status: criteria provided, multiple submitters, no conflicts (2 of 4 stars). 2 submissions from 2 submitters: Uncertain significance (2). Last evaluated 2025-02-25.

Conditions:
Inborn genetic diseases. Identifiers: MedGen C0950123, MeSH D030342.

Allele frequency attached by ClinVar (database versions not stated): gnomAD exomes 0.00001; TOPMed 0.00001.
gnomAD v4.1: 12 of 1,614,042 alleles (0.00074%); highest among the groups gnomAD compares: Middle Eastern, 0.016%; no homozygotes.

Submissions (2):

Ambry Genetics
Classification: Uncertain significance for Inborn genetic diseases. Last evaluated: 2025-02-25. Review status: criteria provided, single submitter. Criteria: Ambry Variant Classification Scheme 2023. Collection method: clinical testing. Allele origin: germline.

Labcorp Genetics (formerly Invitae), Labcorp
Classification: Uncertain significance. Last evaluated: 2023-08-04. Review status: criteria provided, single submitter. Criteria: Invitae Variant Classification Sherloc (09022015). Collection method: clinical testing. Allele origin: germline.
Comment: In summary, the available evidence is currently insufficient to determine the role of this variant in disease. Therefore, it has been classified as a Variant of Uncertain Significance. Advanced modeling of protein sequence and biophysical properties (such as structural, functional, and spatial information, amino acid conservation, physicochemical variation, residue mobility, and thermodynamic stability) performed at Invitae indicates that this missense variant is not expected to disrupt ZNF335 protein function. This sequence change replaces alanine, which is neutral and non-polar, with valine, which is neutral and non-polar, at codon 756 of the ZNF335 protein (p.Ala756Val). This variant is present in population databases (no rsID available, gnomAD no frequency). This variant has not been reported in the literature in individuals affected with ZNF335-related conditions. ClinVar contains an entry for this variant (Variation ID: 2052616).